The following is an entry in ClinVar:

NM_016032.4(ZDHHC9):c.1021A>G (p.Ser341Gly)

Gene: ZDHHC9 (zDHHC palmitoyltransferase 9; minus strand). Cytogenetic location: Xq26.1.
Variant type: single nucleotide variant.
Coding change: c.1021A>G on transcript NM_016032.4 (MANE Select); coding-DNA position 1021, A replaced by G.
Protein change: p.Ser341Gly; replaces serine 341 with glycine.
Molecular consequence: missense variant.
Genome position (GRCh38, 1-based): chrX:129,806,444, T>C on the plus strand (A>G on the coding strand, the complement: ZDHHC9 is on the minus strand). VCF-style: chrX-129806444-T-C. GRCh37 (hg19) VCF-style: chrX-128940420-T-C.
Other names: c.1021A>G, p.Ser341Gly (NM_001008222.3); short protein forms S341G.
Identifiers: ClinVar variation 2111538 (VCV002111538.1), dbSNP rs1007850381, ClinGen allele CA335093199.
Genomic context (GRCh38, chrX:129,806,444, plus strand): 5'-CAGCTGCCTCCTGTGGTGGCTCTGGGGGCTCTGGAGGTGGCATCTCTTCGGGAGTGCTGC[T>C]GTCCTCCGGCATCTCATTTGAGTTCAGGTGTTCTGTGGGGGCCTGAGAAGGAAAAGATAT-3'
Protein context (NP_057116.2, residues 331-351): HLNSNEMPED[Ser341Gly]STPEEMPPPE

ClinVar aggregate classification (germline): Uncertain significance (1 of 4 stars; one submission).

Conditions:
Intellectual developmental disorder, X-linked, syndromic, Raymond type. Also called: Syndromic X-linked intellectual disability Raymond type. Identifiers: MedGen C3275406, MONDO:0010427, OMIM 300799.

Submission:

Labcorp Genetics (formerly Invitae), Labcorp
Classification: Uncertain significance for Intellectual developmental disorder, X-linked, syndromic, Raymond type. Last evaluated: 2022-05-21. Review status: criteria provided, single submitter. Criteria: Invitae Variant Classification Sherloc (09022015). Collection method: clinical testing. Allele origin: germline.
Comment: This sequence change replaces serine, which is neutral and polar, with glycine, which is neutral and non-polar, at codon 341 of the ZDHHC9 protein (p.Ser341Gly). This variant is not present in population databases (gnomAD no frequency). This variant has not been reported in the literature in individuals affected with ZDHHC9-related conditions. Algorithms developed to predict the effect of missense changes on protein structure and function (SIFT, PolyPhen-2, Align-GVGD) all suggest that this variant is likely to be tolerated. In summary, the available evidence is currently insufficient to determine the role of this variant in disease. Therefore, it has been classified as a Variant of Uncertain Significance.